The following is an entry in ClinVar:

NM_000218.3(KCNQ1):c.1394-12958_1394-12957del

Genes: KCNQ1 (potassium voltage-gated channel subfamily Q member 1; plus strand), KCNQ1OT1 (KCNQ1 opposite strand/antisense transcript 1; minus strand). Cytogenetic location: 11p15.5.
Variant type: Deletion.
Coding change: c.1394-12958_1394-12957del on transcript NM_000218.3 (MANE Select); 12958 bases into the intron before coding-DNA position 1394 through 12957 bases into the intron before coding-DNA position 1394, 2 bases deleted (TT; older notation c.1394-12958_1394-12957delTT).
Molecular consequence: intron variant. On other transcripts: non-coding transcript variant (1).
Genome position (GRCh38, 1-based): chr11:2,649,003-2,649,004, TT deleted; deleting any 2 consecutive bases within chr11:2,648,982-2,649,004 gives the same sequence; the c. name uses the placement nearest the transcript's 3' end. VCF-style (leftmost placement, unchanged base first): chr11-2648981-CTT-C. GRCh37 (hg19) VCF-style: chr11-2670211-CTT-C.
Other names: c.1124-12958_1124-12957del (NM_001406837.1); c.1298-12958_1298-12957del (NM_001406836.1); c.854-12958_854-12957del (NM_001406838.1); c.1013-12958_1013-12957del (NM_181798.2).
Identifiers: ClinVar variation 3056618 (VCV003056618.3), ClinGen allele CA216161203.

ClinVar aggregate classification (germline): Likely benign. Review status: criteria provided, single submitter (1 of 4 stars). 2 submissions from 2 submitters: Likely benign (1). 1 of the submissions does not count toward it. Last evaluated 2024-11-27.

Conditions:
KCNQ1-related disorder. Also called: KCNQ1-related disorders; KCNQ1-related condition. Identifiers: MedGen CN239322.

Submissions (2):

Blueprint Genetics
Classification: Likely benign. Last evaluated: 2024-11-27. Review status: criteria provided, single submitter. Criteria: ACMG Guidelines, 2015. Collection method: clinical testing. Allele origin: germline.

PreventionGenetics, part of Exact Sciences
Classification: Likely benign for KCNQ1-related condition. Last evaluated: 2020-07-27. Review status: no assertion criteria provided. Collection method: clinical testing. Allele origin: germline. Not counted in ClinVar's aggregate classification.
Comment: This variant is classified as likely benign based on ACMG/AMP sequence variant interpretation guidelines (Richards et al. 2015 PMID: 25741868, with internal and published modifications).